The following is an entry in ClinVar:

NM_000169.3(GLA):c.447del (p.Phe149fs)

Genes: GLA (galactosidase alpha; minus strand), RPL36A-HNRNPH2 (RPL36A-HNRNPH2 readthrough; plus strand). Cytogenetic location: Xq22.1.
Variant type: Deletion.
Coding change: c.447del on transcript NM_000169.3 (MANE Select); coding-DNA position 447, one base deleted (T; older notation c.447delT).
Protein change: p.Phe149fs; shifts the reading frame from phenylalanine 149.
Molecular consequence: frameshift variant. On other transcripts: non-coding transcript variant (3), intron variant (2).
Genome position (GRCh38, 1-based): chrX:101,401,732, A deleted on the plus strand (T on the coding strand, the reverse complement: GLA is on the minus strand); the first of 4 consecutive A bases (chrX:101,401,732-101,401,735); deleting any one gives the same sequence. VCF-style (leftmost placement, unchanged base first): chrX-101401731-CA-C. GRCh37 (hg19) VCF-style: chrX-100656719-CA-C.
Other names: c.570del, p.Phe190fs (NM_001406747.1, NM_001406749.1); c.447del, p.Phe149fs (NM_001406748.1); c.300+6278del (NM_001199973.2); c.177+9913del (NM_001199974.2); short protein forms F149fs, F190fs.
Identifiers: ClinVar variation 4086961 (VCV004086961.2).
Genomic context (GRCh38, chrX:101,401,731, plus strand): 5'-CAAATTTTAGCAGATCTACTCCCCAGTCAGCAAAGGTCTGGGCATCAATGTCGTAGTATC[CA>C]AAACTCCCAGGGAAGCCTGCGCAGGTTTTATTTCCAACATCTGCATAAATCCCTAGCTTC-3'

ClinVar aggregate classification (germline): Pathogenic (1 of 4 stars; one submission).

Conditions:
Fabry disease. Also called: ALPHA-GALACTOSIDASE A DEFICIENCY; ANDERSON-FABRY DISEASE; CERAMIDE TRIHEXOSIDASE DEFICIENCY; GLA DEFICIENCY; HEREDITARY DYSTOPIC LIPIDOSIS; Angiokeratoma corporis diffusum. Identifiers: Orphanet 324, MedGen C0002986, MONDO:0010526, OMIM 301500, HP:0001071. Disease mechanism: Fabry disease is due to inactivating mutations in the X-linked GLA gene resulting in deficiency of the enzyme Alpha Galactosidase-A., loss of function.

Submission:

Genomenon, Inc
Classification: Pathogenic for Fabry disease. Last evaluated: 2026-09-08. Review status: criteria provided, single submitter. Criteria: Genomenon Sequence Variant Interpretation Standards - Updated. Collection method: curation. Allele origin: germline. Affected: yes.
Comment: GLA p.Phe149LeufsTer16 (c.447del) is a frameshift variant that is predicted to introduce a premature termination codon and result in a truncated or absent protein product. This variant has been observed in at least one proband with clinical features consistent with Fabry disease (PMID:38002959). The variant was found to segregate with disease in at least one affected family (PMID:38002959). It is absent or not present at a significant frequency in gnomAD. In conclusion, we classify GLA p.Phe149LeufsTer16 (c.447del) as a pathogenic variant.

Literature cited by the submitters: PubMed 38002959.